The following is an entry in ClinVar:

ClinVar aggregate classification (germline): Uncertain significance. Review status: criteria provided, multiple submitters, no conflicts (2 of 4 stars). 3 submissions from 3 submitters: Uncertain significance (2). 1 of the submissions does not count toward it. Last evaluated 2023-09-07.

Conditions:
Achromatopsia. Also called: Rod monochromatism. Identifiers: Orphanet 49382, MedGen C0152200, MONDO:0018852, HP:0011516.

Allele frequency attached by ClinVar (database versions not stated): gnomAD below 0.00001 and 0.00005; TOPMed 0.00001; ExAC 0.00007; 1000 Genomes Project 0.00040; 1000 Genomes Project 30x 0.00047.
gnomAD v4.1: 42 of 1,589,734 alleles (0.0026%); highest among the groups gnomAD compares: South Asian, 0.045%; no homozygotes.

Submissions (3):

Blueprint Genetics
Classification: Uncertain significance. Last evaluated: 2023-09-07. Review status: criteria provided, single submitter. Criteria: ACMG Guidelines, 2015. Collection method: clinical testing. Allele origin: germline.

Labcorp Genetics (formerly Invitae), Labcorp
Classification: Uncertain significance. Last evaluated: 2022-09-27. Review status: criteria provided, single submitter. Criteria: Invitae Variant Classification Sherloc (09022015). Collection method: clinical testing. Allele origin: germline.
Comment: This sequence change replaces asparagine, which is neutral and polar, with serine, which is neutral and polar, at codon 338 of the CNGB3 protein (p.Asn338Ser). This variant is present in population databases (rs548817727, gnomAD 0.03%). This variant has not been reported in the literature in individuals affected with CNGB3-related conditions. ClinVar contains an entry for this variant (Variation ID: 972284). Advanced modeling of protein sequence and biophysical properties (such as structural, functional, and spatial information, amino acid conservation, physicochemical variation, residue mobility, and thermodynamic stability) performed at Invitae indicates that this missense variant is not expected to disrupt CNGB3 protein function. Algorithms developed to predict the effect of sequence changes on RNA splicing suggest that this variant may create or strengthen a splice site. In summary, the available evidence is currently insufficient to determine the role of this variant in disease. Therefore, it has been classified as a Variant of Uncertain Significance.

Natera, Inc.
Classification: Uncertain significance for Achromatopsia. Last evaluated: 2020-09-30. Review status: no assertion criteria provided. Collection method: clinical testing. Allele origin: germline. Not counted in ClinVar's aggregate classification.

NM_019098.5(CNGB3):c.1013A>G (p.Asn338Ser)

Gene: CNGB3 (cyclic nucleotide gated channel subunit beta 3; minus strand). Cytogenetic location: 8q21.3.
Variant type: single nucleotide variant.
Coding change: c.1013A>G on transcript NM_019098.5 (MANE Select); coding-DNA position 1013, A replaced by G.
Protein change: p.Asn338Ser; replaces asparagine 338 with serine.
Molecular consequence: missense variant.
Genome position (GRCh38, 1-based): chr8:86,644,664, T>C on the plus strand (A>G on the coding strand, the complement: CNGB3 is on the minus strand). VCF-style: chr8-86644664-T-C. GRCh37 (hg19) VCF-style: chr8-87656892-T-C.
Other names: short protein forms N338S.
Identifiers: ClinVar variation 972284 (VCV000972284.5), dbSNP rs548817727, ClinGen allele CA4800180.